The following is an entry in ClinVar:

ClinVar aggregate classification (germline): Pathogenic (1 of 4 stars; one submission).

Submission:

Labcorp Genetics (formerly Invitae), Labcorp
Classification: Pathogenic. Last evaluated: 2024-10-24. Review status: criteria provided, single submitter. Criteria: Invitae Variant Classification Sherloc (09022015). Collection method: clinical testing. Allele origin: germline.
Comment: This sequence change creates a premature translational stop signal (p.Trp188*) in the IL11RA gene. It is expected to result in an absent or disrupted protein product. Loss-of-function variants in IL11RA are known to be pathogenic (PMID: 21741611, 24498618). This variant is present in population databases (no rsID available, gnomAD 0.008%). This variant has not been reported in the literature in individuals affected with IL11RA-related conditions. Algorithms developed to predict the effect of sequence changes on RNA splicing suggest that this variant may disrupt the consensus splice site. For these reasons, this variant has been classified as Pathogenic.

Literature cited by the submitters: PubMed 21741611; PubMed 24498618.

NM_001142784.3(IL11RA):c.563G>A (p.Trp188Ter)

Gene: IL11RA (interleukin 11 receptor subunit alpha; plus strand). Cytogenetic location: 9p13.3.
Variant type: single nucleotide variant.
Coding change: c.563G>A on transcript NM_001142784.3 (MANE Select); coding-DNA position 563, G replaced by A.
Protein change: p.Trp188Ter; replaces tryptophan 188 with a stop codon.
Molecular consequence: nonsense. On other transcripts: non-coding transcript variant (1).
Genome position (GRCh38, 1-based): chr9:34,657,504, G>A. VCF-style: chr9-34657504-G-A. GRCh37 (hg19) VCF-style: chr9-34657501-G-A.
Other names: short protein forms W188*.
Identifiers: ClinVar variation 3719324 (VCV003719324.2).